The following is an entry in ClinVar:

ClinVar aggregate classification (germline): Uncertain significance (1 of 4 stars; one submission).

Allele frequency attached by ClinVar (database versions not stated): gnomAD 0.00001; gnomAD exomes 0.00001; ExAC 0.00002; TOPMed 0.00002.
gnomAD v4.1: 9 of 1,610,892 alleles (0.00056%); highest among the groups gnomAD compares: Admixed American, 0.01%; no homozygotes.

Submission:

Labcorp Genetics (formerly Invitae), Labcorp
Classification: Uncertain significance. Last evaluated: 2022-08-06. Review status: criteria provided, single submitter. Criteria: Invitae Variant Classification Sherloc (09022015). Collection method: clinical testing. Allele origin: germline.
Comment: This sequence change replaces aspartic acid, which is acidic and polar, with valine, which is neutral and non-polar, at codon 1719 of the C2CD3 protein (p.Asp1719Val). This variant is present in population databases (rs776408638, gnomAD 0.02%). This variant has not been reported in the literature in individuals affected with C2CD3-related conditions. Algorithms developed to predict the effect of missense changes on protein structure and function are either unavailable or do not agree on the potential impact of this missense change (SIFT: "Deleterious"; PolyPhen-2: "Benign"; Align-GVGD: "Class C15"). Algorithms developed to predict the effect of sequence changes on RNA splicing suggest that this variant may create or strengthen a splice site. In summary, the available evidence is currently insufficient to determine the role of this variant in disease. Therefore, it has been classified as a Variant of Uncertain Significance.

NM_001286577.2(C2CD3):c.5156A>T (p.Asp1719Val)

Gene: C2CD3 (C2 domain containing 3 centriole elongation regulator; minus strand). Cytogenetic location: 11q13.4.
Variant type: single nucleotide variant.
Coding change: c.5156A>T on transcript NM_001286577.2 (MANE Select); coding-DNA position 5156, A replaced by T.
Protein change: p.Asp1719Val; replaces aspartic acid 1719 with valine.
Molecular consequence: missense variant.
Genome position (GRCh38, 1-based): chr11:74,049,542, T>A on the plus strand (A>T on the coding strand, the complement: C2CD3 is on the minus strand). VCF-style: chr11-74049542-T-A. GRCh37 (hg19) VCF-style: chr11-73760587-T-A.
Other names: c.5156A>T, p.Asp1719Val (NM_015531.6); short protein forms D1719V.
Identifiers: ClinVar variation 1958173 (VCV001958173.2), dbSNP rs776408638, ClinGen allele CA6181955.